The following is an entry in ClinVar:

NM_002225.5(IVD):c.581T>A (p.Phe194Tyr)

Gene: IVD (isovaleryl-CoA dehydrogenase; plus strand). Cytogenetic location: 15q15.1.
Variant type: single nucleotide variant.
Coding change: c.581T>A on transcript NM_002225.5 (MANE Select); coding-DNA position 581, T replaced by A.
Protein change: p.Phe194Tyr; replaces phenylalanine 194 with tyrosine.
Molecular consequence: missense variant. On other transcripts: non-coding transcript variant (1).
Genome position (GRCh38, 1-based): chr15:40,411,585, T>A. VCF-style: chr15-40411585-T-A. GRCh37 (hg19) VCF-style: chr15-40703784-T-A.
Other names: c.491T>A, p.Phe164Tyr (NM_001159508.3); c.533T>A, p.Phe178Tyr (NM_001354597.3); c.581T>A, p.Phe194Tyr (NM_001354598.3, NM_001354601.3); c.668T>A, p.Phe223Tyr (NM_001354599.3, NM_001354600.3); short protein forms F164Y, F194Y, F178Y, F223Y.
Identifiers: ClinVar variation 392951 (VCV000392951.2), dbSNP rs1057524715, ClinGen allele CA16606669.

ClinVar aggregate classification (germline): Likely pathogenic (1 of 4 stars; one submission).

Allele frequency attached by ClinVar (database versions not stated): TOPMed below 0.00001.

Submission:

GeneDx
Classification: Likely pathogenic. Last evaluated: 2017-03-01. Review status: criteria provided, single submitter. Criteria: GeneDx Variant Classification (06012015). Collection method: clinical testing. Allele origin: germline. Affected: yes.
Comment: The F197Y variant in the IVD gene has not been published as a pathogenic variant, nor has it been reported as a benign variant to our knowledge. The F197Y variant is not observed in large population cohorts (Lek et al., 2016; 1000 Genomes Consortium et al., 2015; Exome Variant Server). The F197Y variant is a non-conservative amino acid substitution, which is likely to impact secondary protein structure as these residues differ in polarity, charge, size and/or other properties. This substitution occurs at a position that is conserved across species, and in silico analysis predicts this variant is probably damaging to the protein structure/function. In summary, we interpret F197Y to be likely pathogenic.